The following is an entry in ClinVar:

ClinVar aggregate classification (germline): Uncertain significance (1 of 4 stars; one submission).

gnomAD v4.1: 40 of 1,613,864 alleles (0.0025%); highest among the groups gnomAD compares: African/African-American, 0.049%; no homozygotes.

Submission:

Labcorp Genetics (formerly Invitae), Labcorp
Classification: Uncertain significance. Last evaluated: 2024-05-01. Review status: criteria provided, single submitter. Criteria: Invitae Variant Classification Sherloc (09022015). Collection method: clinical testing. Allele origin: germline.
Comment: This sequence change creates a premature translational stop signal (p.Gln1095*) in the EGF gene. It is expected to result in an absent or disrupted protein product. However, the current clinical and genetic evidence is not sufficient to establish whether loss-of-function variants in EGF cause disease. This variant is present in population databases (rs138244768, gnomAD 0.05%). This variant has not been reported in the literature in individuals affected with EGF-related conditions. Algorithms developed to predict the effect of sequence changes on RNA splicing suggest that this variant may disrupt the consensus splice site. In summary, the available evidence is currently insufficient to determine the role of this variant in disease. Therefore, it has been classified as a Variant of Uncertain Significance.

NM_001963.6(EGF):c.3283C>T (p.Gln1095Ter)

Gene: EGF (epidermal growth factor; plus strand). Cytogenetic location: 4q25.
Variant type: single nucleotide variant.
Coding change: c.3283C>T on transcript NM_001963.6 (MANE Select); coding-DNA position 3283, C replaced by T.
Protein change: p.Gln1095Ter; replaces glutamine 1095 with a stop codon.
Molecular consequence: nonsense.
Genome position (GRCh38, 1-based): chr4:110,004,614, C>T. VCF-style: chr4-110004614-C-T. GRCh37 (hg19) VCF-style: chr4-110925770-C-T.
Other names: c.3160C>T, p.Gln1054Ter (NM_001178130.3); c.3157C>T, p.Gln1053Ter (NM_001178131.3); c.2914C>T, p.Gln972Ter (NM_001357021.2); short protein forms Q1095*, Q972*, Q1053*, Q1054*.
Identifiers: ClinVar variation 3713877 (VCV003713877.2).